The following is an entry in ClinVar:

NM_030665.4(RAI1):c.269del (p.Gly90fs)

Gene: RAI1 (retinoic acid induced 1; plus strand). Cytogenetic location: 17p11.2.
Variant type: Deletion.
Coding change: c.269del on transcript NM_030665.4 (MANE Select); coding-DNA position 269, one base deleted (G; older notation c.269delG).
Protein change: p.Gly90fs; shifts the reading frame from glycine 90.
Molecular consequence: frameshift variant.
Genome position (GRCh38, 1-based): chr17:17,793,217, G deleted; the last of 2 consecutive G bases (chr17:17,793,216-17,793,217); deleting either gives the same sequence. VCF-style (leftmost placement, unchanged base first): chr17-17793215-AG-A. GRCh37 (hg19) VCF-style: chr17-17696529-AG-A.
Other names: short protein forms G90fs.
Identifiers: ClinVar variation 1705381 (VCV001705381.1), dbSNP rs2508567901, ClinGen allele CA2580092627.
Genomic context (GRCh38, chr17:17,793,215, plus strand): 5'-TGCAGCCGCGGTGGCCGCCGACAAGTACCACCGAGGCAGCAAGGCCCTGCCCACACAGCA[AG>A]GCCTGCAGGGGAGGCCGGCTTTCCCTGGCTACGGCGTCCAGGACAGCAGCCCCTACCCAG-3'

ClinVar aggregate classification (germline): Likely pathogenic (1 of 4 stars; one submission).

Conditions:
Smith-Magenis syndrome (SMS). Also called: CHROMOSOME 17p11.2 DELETION SYNDROME. Identifiers: Orphanet 819, MedGen C0795864, MONDO:0008434, OMIM 182290.

Submission:

3billion
Classification: Likely pathogenic for Smith-Magenis syndrome. Last evaluated: 2022-09-01. Review status: criteria provided, single submitter. Criteria: ACMG Guidelines, 2015. Collection method: clinical testing. Allele origin: germline. Affected: yes. Observed: 1 homozygote.
Comment: The variant is not observed in the gnomAD v2.1.1 dataset. Frameshift variant is predicted to result in a loss or disruption of normal protein function through nonsense-mediated decay (NMD) or protein truncation. Multiple pathogenic variants are reported downstream of the variant. Therefore, this variant is classified as Likely pathogenic according to the recommendation of ACMG/AMP guideline.